The following is an entry in ClinVar:

NM_058216.3(RAD51C):c.1111_1112del (p.Asp371fs)

Gene: RAD51C (RAD51 paralog C; plus strand). Cytogenetic location: 17q22.
Variant type: Microsatellite.
Coding change: c.1111_1112del on transcript NM_058216.3 (MANE Select); coding-DNA positions 1111 to 1112, 2 bases deleted (GA; older notation c.1111_1112delGA).
Protein change: p.Asp371fs; shifts the reading frame from aspartic acid 371.
Molecular consequence: frameshift variant. On other transcripts: non-coding transcript variant (1).
Genome position (GRCh38, 1-based): chr17:58,734,202-58,734,203, GA deleted; deleting any 2 consecutive bases within chr17:58,734,200-58,734,203 gives the same sequence; the c. name uses the placement nearest the transcript's 3' end. VCF-style (leftmost placement, unchanged base first): chr17-58734199-CGA-C. GRCh37 (hg19) VCF-style: chr17-56811560-CGA-C.
Other names: c.1111_1112delGA (NM_058216.1); c.1109_1110GA[1], p.Asp371Profs (NM_058216.1); c.*537_*538GA[1] (NM_058217.1); short protein forms D371fs.
Identifiers: ClinVar variation 2447775 (VCV002447775.5), dbSNP rs2509370105, ClinGen allele CA2580613172.

ClinVar aggregate classification (germline): Uncertain significance. Review status: criteria provided, multiple submitters, no conflicts (2 of 4 stars). 2 submissions from 2 submitters: Uncertain significance (2). Last evaluated 2023-11-02.

Conditions:
Hereditary cancer-predisposing syndrome. Also called: Hereditary neoplastic syndrome; Tumor predisposition; Neoplastic Syndromes, Hereditary; Hereditary Cancer Syndrome. Identifiers: Orphanet 140162, MedGen C0027672, MeSH D009386, MONDO:0015356.
Fanconi anemia complementation group O. Also called: RAD51C-Related Fanconi Anemia. Identifiers: Orphanet 84, MedGen C3150653, MONDO:0013248, OMIM 613390.

Submissions (2):

Labcorp Genetics (formerly Invitae), Labcorp
Classification: Uncertain significance for Fanconi anemia complementation group O. Last evaluated: 2023-11-02. Review status: criteria provided, single submitter. Criteria: Invitae Variant Classification Sherloc (09022015). Collection method: clinical testing. Allele origin: germline.
Comment: This sequence change results in a frameshift in the RAD51C gene (p.Asp371Profs*21). While this is not anticipated to result in nonsense mediated decay, it is expected to disrupt the last 6 amino acid(s) of the RAD51C protein and extend the protein by 14 additional amino acid residues. This variant is not present in population databases (gnomAD no frequency). This variant has not been reported in the literature in individuals affected with RAD51C-related conditions. In summary, the available evidence is currently insufficient to determine the role of this variant in disease. Therefore, it has been classified as a Variant of Uncertain Significance.

Ambry Genetics
Classification: Uncertain significance for Hereditary cancer-predisposing syndrome. Last evaluated: 2023-01-03. Review status: criteria provided, single submitter. Criteria: Ambry Variant Classification Scheme 2023. Collection method: clinical testing. Allele origin: germline.
Comment: The c.1111_1112delGA variant, located in coding exon 9 of the RAD51C gene, results from a deletion of two nucleotides at nucleotide positions 1111 to 1112, causing a translational frameshift with a predicted alternate stop codon (p.D371Pfs*21). This alteration occurs at the 3' terminus of the RAD51C gene, is not expected to trigger nonsense-mediated mRNAdecay and results in the elongation of the protein by 14 amino acids. This frameshift impacts the last 6amino acids of the native protein. The exact functional effect of the altered amino acids is unknown. Since supporting evidence is limited at this time, the clinical significance of this alteration remains unclear.